The following is an entry in ClinVar:

NM_001164665.2(KIAA1549):c.4309G>A (p.Val1437Ile)

Gene: KIAA1549 (KIAA1549; minus strand). Cytogenetic location: 7q34.
Variant type: single nucleotide variant.
Coding change: c.4309G>A on transcript NM_001164665.2 (MANE Select); coding-DNA position 4309, G replaced by A.
Protein change: p.Val1437Ile; replaces valine 1437 with isoleucine.
Molecular consequence: missense variant.
Genome position (GRCh38, 1-based): chr7:138,879,574, C>T on the plus strand (G>A on the coding strand, the complement: KIAA1549 is on the minus strand). VCF-style: chr7-138879574-C-T. GRCh37 (hg19) VCF-style: chr7-138564320-C-T.
Other names: c.4309G>A (NM_001164665.1); c.4309G>A, p.Val1437Ile (NM_020910.3); short protein forms V1437I.
Identifiers: ClinVar variation 1035349 (VCV001035349.6), dbSNP rs373307907, ClinGen allele CA4505947.

ClinVar aggregate classification (germline): Uncertain significance. Review status: criteria provided, multiple submitters, no conflicts (2 of 4 stars). 3 submissions from 3 submitters: Uncertain significance (3). Last evaluated 2024-10-07.

Conditions:
Inborn genetic diseases. Identifiers: MedGen C0950123, MeSH D030342.

Allele frequency attached by ClinVar (database versions not stated): TOPMed 0.00002; ExAC 0.00004; 1000 Genomes Project 30x 0.00016; ESP Exome Variant Server 0.00017.
gnomAD v4.1: 42 of 1,567,944 alleles (0.0027%); highest among the groups gnomAD compares: Middle Eastern, 0.017%; no homozygotes.

Submissions (3):

Ambry Genetics
Classification: Uncertain significance for Inborn genetic diseases. Last evaluated: 2024-10-07. Review status: criteria provided, single submitter. Criteria: Ambry Variant Classification Scheme 2023. Collection method: clinical testing. Allele origin: germline.

Blueprint Genetics
Classification: Uncertain significance. Last evaluated: 2024-03-08. Review status: criteria provided, single submitter. Criteria: ACMG Guidelines, 2015. Collection method: clinical testing. Allele origin: germline.

Labcorp Genetics (formerly Invitae), Labcorp
Classification: Uncertain significance. Last evaluated: 2022-08-23. Review status: criteria provided, single submitter. Criteria: Invitae Variant Classification Sherloc (09022015). Collection method: clinical testing. Allele origin: germline.
Comment: This sequence change replaces valine, which is neutral and non-polar, with isoleucine, which is neutral and non-polar, at codon 1437 of the KIAA1549 protein (p.Val1437Ile). The frequency data for this variant in the population databases is considered unreliable, as metrics indicate poor data quality at this position in the gnomAD database. This variant has not been reported in the literature in individuals affected with KIAA1549-related conditions. ClinVar contains an entry for this variant (Variation ID: 1035349). Algorithms developed to predict the effect of missense changes on protein structure and function output the following: SIFT: "Tolerated"; PolyPhen-2: "Benign"; Align-GVGD: "Class C0". The isoleucine amino acid residue is found in multiple mammalian species, which suggests that this missense change does not adversely affect protein function. In summary, the available evidence is currently insufficient to determine the role of this variant in disease. Therefore, it has been classified as a Variant of Uncertain Significance.